The following is an entry in ClinVar:

NM_018122.5(DARS2):c.1564-13G>A

Gene: DARS2 (aspartyl-tRNA synthetase 2, mitochondrial; plus strand). Cytogenetic location: 1q25.1.
Variant type: single nucleotide variant.
Coding change: c.1564-13G>A on transcript NM_018122.5 (MANE Select); 13 bases into the intron before coding-DNA position 1564, G replaced by A.
Molecular consequence: intron variant.
Genome position (GRCh38, 1-based): chr1:173,853,782, G>A. VCF-style: chr1-173853782-G-A. GRCh37 (hg19) VCF-style: chr1-173822920-G-A.
Other names: c.1411-13G>A (NM_001365212.1).
Identifiers: ClinVar variation 511143 (VCV000511143.1), dbSNP rs747157402, ClinGen allele CA1250463.

ClinVar aggregate classification (germline): Likely benign (1 of 4 stars; one submission).

Allele frequency attached by ClinVar (database versions not stated): gnomAD 0.00001; ExAC 0.00002; gnomAD exomes 0.00002; TOPMed 0.00002.

Submission:

GeneDx
Classification: Likely benign. Last evaluated: 2017-08-14. Review status: criteria provided, single submitter. Criteria: GeneDx Variant Classification (06012015). Collection method: clinical testing. Allele origin: germline. Affected: yes.
Comment: This variant is considered likely benign or benign based on one or more of the following criteria: it is a conservative change, it occurs at a poorly conserved position in the protein, it is predicted to be benign by multiple in silico algorithms, and/or has population frequency not consistent with disease.